The following is an entry in ClinVar:

ClinVar aggregate classification (germline): Uncertain significance (1 of 4 stars; one submission).

Conditions:
Spastic paraplegia. Identifiers: MedGen C0037772, HP:0001258.

gnomAD v4.1: 4 of 1,211,942 alleles (0.00033%); highest among the groups gnomAD compares: Non-Finnish European, 0.00045%; no homozygotes.

Submission:

Labcorp Genetics (formerly Invitae), Labcorp
Classification: Uncertain significance for Spastic paraplegia. Last evaluated: 2024-05-04. Review status: criteria provided, single submitter. Criteria: Invitae Variant Classification Sherloc (09022015). Collection method: clinical testing. Allele origin: germline.
Comment: This sequence change replaces alanine, which is neutral and non-polar, with serine, which is neutral and polar, at codon 1264 of the KDM5C protein (p.Ala1264Ser). This variant is not present in population databases (gnomAD no frequency). This variant has not been reported in the literature in individuals affected with KDM5C-related conditions. Advanced modeling of protein sequence and biophysical properties (such as structural, functional, and spatial information, amino acid conservation, physicochemical variation, residue mobility, and thermodynamic stability) performed at Invitae indicates that this missense variant is not expected to disrupt KDM5C protein function with a negative predictive value of 95%. Algorithms developed to predict the effect of sequence changes on RNA splicing suggest that this variant may create or strengthen a splice site. In summary, the available evidence is currently insufficient to determine the role of this variant in disease. Therefore, it has been classified as a Variant of Uncertain Significance.

NM_004187.5(KDM5C):c.3790G>T (p.Ala1264Ser)

Gene: KDM5C (lysine demethylase 5C; minus strand). Cytogenetic location: Xp11.22.
Variant type: single nucleotide variant.
Coding change: c.3790G>T on transcript NM_004187.5 (MANE Select); coding-DNA position 3790, G replaced by T.
Protein change: p.Ala1264Ser; replaces alanine 1264 with serine.
Molecular consequence: missense variant. On other transcripts: non-coding transcript variant (3).
Genome position (GRCh38, 1-based): chrX:53,194,387, C>A on the plus strand (G>T on the coding strand, the complement: KDM5C is on the minus strand). VCF-style: chrX-53194387-C-A. GRCh37 (hg19) VCF-style: chrX-53223569-C-A.
Other names: c.3589G>T, p.Ala1197Ser (NM_001146702.2); c.3787G>T, p.Ala1263Ser (NM_001282622.3, NM_001353979.2, NM_001353982.2); c.3790G>T, p.Ala1264Ser (NM_001353978.3, NM_001353981.2, NM_001353984.2); short protein forms A1197S, A1263S, A1264S.
Identifiers: ClinVar variation 3626265 (VCV003626265.2).
Genomic context (GRCh38, chrX:53,194,387, plus strand): 5'-TCTCTGTGAGGCACTGCAGGGCCTCGCCCTCGGGCAGCCGCACAGGCAGTCTCTGCAGGG[C>A]TACCAGCAGTGCCAGGATGGTCTCCAGGCGCGGGCGCCTTGAGCGCATACACAGTGGACA-3'
Protein context (NP_004178.2, residues 1254-1274): RLETILALLV[Ala1264Ser]LQRLPVRLPE